The following is an entry in ClinVar:

NM_031935.3(HMCN1):c.6286A>G (p.Ile2096Val)

Gene: HMCN1 (hemicentin 1; plus strand). Cytogenetic location: 1q31.1.
Variant type: single nucleotide variant.
Coding change: c.6286A>G on transcript NM_031935.3 (MANE Select); coding-DNA position 6286, A replaced by G.
Protein change: p.Ile2096Val; replaces isoleucine 2096 with valine.
Molecular consequence: missense variant.
Genome position (GRCh38, 1-based): chr1:186,041,118, A>G. VCF-style: chr1-186041118-A-G. GRCh37 (hg19) VCF-style: chr1-186010250-A-G.
Other names: short protein forms I2096V.
Identifiers: ClinVar variation 2097671 (VCV002097671.4), dbSNP rs752428319, ClinGen allele CA1292513.

ClinVar aggregate classification (germline): Uncertain significance (1 of 4 stars; one submission).

Allele frequency attached by ClinVar (database versions not stated): ExAC 0.00001; gnomAD exomes 0.00001; TOPMed 0.00001.
gnomAD v4.1: 13 of 1,612,862 alleles (0.00081%); highest among the groups gnomAD compares: South Asian, 0.0011%; no homozygotes.

Submission:

Labcorp Genetics (formerly Invitae), Labcorp
Classification: Uncertain significance. Last evaluated: 2022-04-15. Review status: criteria provided, single submitter. Criteria: Invitae Variant Classification Sherloc (09022015). Collection method: clinical testing. Allele origin: germline.
Comment: In summary, the available evidence is currently insufficient to determine the role of this variant in disease. Therefore, it has been classified as a Variant of Uncertain Significance. Algorithms developed to predict the effect of missense changes on protein structure and function output the following: SIFT: "Tolerated"; PolyPhen-2: "Possibly Damaging"; Align-GVGD: "Class C0". The valine amino acid residue is found in multiple mammalian species, which suggests that this missense change does not adversely affect protein function. This variant has not been reported in the literature in individuals affected with HMCN1-related conditions. This variant is present in population databases (rs752428319, gnomAD 0.006%). This sequence change replaces isoleucine, which is neutral and non-polar, with valine, which is neutral and non-polar, at codon 2096 of the HMCN1 protein (p.Ile2096Val).